The following is an entry in ClinVar:

ClinVar aggregate classification (germline): Uncertain significance. Review status: criteria provided, multiple submitters, no conflicts (2 of 4 stars). 2 submissions from 2 submitters: Uncertain significance (2). Last evaluated 2024-10-06.

Conditions:
Brown syndrome. Also called: Brown anomaly. Identifiers: MedGen C0155339, MONDO:0014624, OMIM 616407, HP:0031622.

Allele frequency attached by ClinVar (database versions not stated): gnomAD exomes 0.00007; gnomAD 0.00011; TOPMed 0.00011; ExAC 0.00012; ESP Exome Variant Server 0.00015.
gnomAD v4.1: 132 of 1,613,260 alleles (0.0082%); highest among the groups gnomAD compares: Middle Eastern, 0.13%; no homozygotes.

Submissions (2):

Ambry Genetics
Classification: Uncertain significance. Last evaluated: 2024-10-06. Review status: criteria provided, single submitter. Criteria: Ambry Variant Classification Scheme 2023. Collection method: clinical testing. Allele origin: germline.

Broad Center for Mendelian Genomics, Broad Institute of MIT and Harvard
Classification: Uncertain significance for Brown syndrome. Last evaluated: 2024-03-13. Review status: criteria provided, single submitter. Criteria: ACMG Guidelines, 2015. Collection method: curation. Allele origin: germline. Inheritance: Autosomal recessive inheritance.
Comment: The heterozygous p.Thr1121Ala variant in TOGARAM1 was identified by our study, in the compound heterozygous state with a variant of uncertain significance (dbSNP ID: rs201399500), in monozygotic twins with Brown syndrome, via a collaborative study between the Broad Institute's Center for Mendelian Genomics and the Engle lab. These individuals also carried a variant of uncertain significance (dbSNP ID: rs201399500), however the phase of these variants are unknown at this time. We believe this is a possible phenotype expansion for TOGARAM1-related disorders. The p.Thr1121Ala variant in TOGARAM1 has not been previously reported in individuals with Joubert syndrome 37 but has been identified in 0.03% (4/15280) of Latino/Admixed American chromosomes by the Genome Aggregation Database (gnomAD; dbSNP ID: rs200833388). Although this variant has been seen in the general population in a heterozygous state, its frequency is not high enough to rule out a pathogenic role. Computational prediction tools, including splice predictors, and conservation analyses suggest that this variant may not impact the protein, though this information is not predictive enough to rule out pathogenicity. In summary, the clinical significance of the p.Thr1121Ala variant is uncertain. ACMG/AMP Criteria applied: BP4 (Richards 2015).

Literature cited by the submitters: PubMed 39033378 (cited by Broad Center for Mendelian Genomics, Broad Institute of MIT and Harvard).

NM_001308120.2(TOGARAM1):c.3361A>G (p.Thr1121Ala)

Gene: TOGARAM1 (TOG array regulator of axonemal microtubules 1; plus strand). Cytogenetic location: 14q21.2.
Variant type: single nucleotide variant.
Coding change: c.3361A>G on transcript NM_001308120.2 (MANE Select); coding-DNA position 3361, A replaced by G.
Protein change: p.Thr1121Ala; replaces threonine 1121 with alanine.
Molecular consequence: missense variant. On other transcripts: non-coding transcript variant (1).
Genome position (GRCh38, 1-based): chr14:45,027,331, A>G. VCF-style: chr14-45027331-A-G. GRCh37 (hg19) VCF-style: chr14-45496534-A-G.
Other names: NR_131765.2:n.3424A>G; c.3361A>G, p.Thr1121Ala (NM_015091.4); c.3361A>G (NM_015091.2); short protein forms T1121A.
Identifiers: ClinVar variation 3061827 (VCV003061827.3), dbSNP rs200833388, ClinGen allele CA7167523.